The following is an entry in ClinVar:

ClinVar aggregate classification (germline): Uncertain significance. Review status: criteria provided, multiple submitters, no conflicts (2 of 4 stars). 2 submissions from 2 submitters: Uncertain significance (2). Last evaluated 2025-10-13.

Conditions:
Hereditary cancer-predisposing syndrome. Also called: Hereditary Cancer Syndrome; Hereditary neoplastic syndrome; Neoplastic Syndromes, Hereditary; Tumor predisposition. Identifiers: Orphanet 140162, MedGen C0027672, MeSH D009386, MONDO:0015356.
Hereditary diffuse gastric adenocarcinoma (HDGC). Also called: DIFFUSE GASTRIC AND LOBULAR BREAST CANCER SYNDROME. Identifiers: Orphanet 26106, MedGen C1708349, MONDO:0007648, OMIM 137215.

Submissions (2):

Labcorp Genetics (formerly Invitae), Labcorp
Classification: Uncertain significance for Hereditary diffuse gastric adenocarcinoma. Last evaluated: 2025-10-13. Review status: criteria provided, single submitter. Criteria: Invitae Variant Classification Sherloc (09022015). Collection method: clinical testing. Allele origin: germline.
Comment: This sequence change falls in intron 3 of the CDH1 gene. It does not directly change the encoded amino acid sequence of the CDH1 protein. It affects a nucleotide within the consensus splice site. This variant is not present in population databases (gnomAD no frequency). This variant has not been reported in the literature in individuals affected with CDH1-related conditions. ClinVar contains an entry for this variant (Variation ID: 2812843). Variants that disrupt the consensus splice site are a relatively common cause of aberrant splicing (PMID: 17576681, 9536098). Algorithms developed to predict the effect of sequence changes on RNA splicing suggest that this variant is not likely to affect RNA splicing. In summary, the available evidence is currently insufficient to determine the role of this variant in disease. Therefore, it has been classified as a Variant of Uncertain Significance.

Ambry Genetics
Classification: Uncertain significance for Hereditary cancer-predisposing syndrome. Last evaluated: 2024-11-27. Review status: criteria provided, single submitter. Criteria: Ambry Variant Classification Scheme 2023. Collection method: clinical testing. Allele origin: germline.
Comment: The c.387+3A>G intronic variant results from an A to G substitution 3 nucleotides after coding exon 3 in the CDH1 gene. This nucleotide position is highly conserved in available vertebrate species. In silico splice site analysis predicts that this alteration will not have any significant effect on splicing.Based on the available evidence, the clinical significance of this variant remains unclear.

Literature cited by the submitters: PubMed 17576681 (cited by Labcorp Genetics (formerly Invitae), Labcorp); PubMed 9536098 (cited by Labcorp Genetics (formerly Invitae), Labcorp).

NM_004360.5(CDH1):c.387+3A>G

Gene: CDH1 (cadherin 1; plus strand). Cytogenetic location: 16q22.1.
Variant type: single nucleotide variant.
Coding change: c.387+3A>G on transcript NM_004360.5 (MANE Select); 3 bases into the intron after coding-DNA position 387, A replaced by G.
Molecular consequence: intron variant.
Genome position (GRCh38, 1-based): chr16:68,801,896, A>G. VCF-style: chr16-68801896-A-G. GRCh37 (hg19) VCF-style: chr16-68835799-A-G.
Other names: c.387+3A>G (NM_004360.3, NM_001317184.2); c.-1229+3A>G (NM_001317185.2); c.-1433+3A>G (NM_001317186.2).
Identifiers: ClinVar variation 2812843 (VCV002812843.4), dbSNP rs2152127086, ClinGen allele CA2739265517.